The following is an entry in ClinVar:

ClinVar aggregate classification (germline): Uncertain significance (1 of 4 stars; one submission).

Conditions:
Duchenne muscular dystrophy (DMD). Also called: MUSCULAR DYSTROPHY, PSEUDOHYPERTROPHIC PROGRESSIVE, DUCHENNE TYPE; Duchenne Muscular Dystrophy (DMD). Identifiers: Orphanet 98896, MedGen C0013264, MONDO:0010679, OMIM 310200.

Submission:

Labcorp Genetics (formerly Invitae), Labcorp
Classification: Uncertain significance for Duchenne muscular dystrophy. Last evaluated: 2021-12-15. Review status: criteria provided, single submitter. Criteria: Invitae Variant Classification Sherloc (09022015). Collection method: clinical testing. Allele origin: germline.
Comment: This variant is not present in population databases (gnomAD no frequency). This variant has not been reported in the literature in individuals affected with DMD-related conditions. Algorithms developed to predict the effect of missense changes on protein structure and function are either unavailable or do not agree on the potential impact of this missense change (SIFT: "Tolerated"; PolyPhen-2: "Probably Damaging"; Align-GVGD: "Class C15"). In summary, the available evidence is currently insufficient to determine the role of this variant in disease. Therefore, it has been classified as a Variant of Uncertain Significance. This sequence change replaces proline, which is neutral and non-polar, with serine, which is neutral and polar, at codon 1103 of the DMD protein (p.Pro1103Ser).

NM_004006.3(DMD):c.3307C>T (p.Pro1103Ser)

Gene: DMD (dystrophin; minus strand). Cytogenetic location: Xp21.1.
Variant type: single nucleotide variant.
Coding change: c.3307C>T on transcript NM_004006.3 (MANE Select); coding-DNA position 3307, C replaced by T.
Protein change: p.Pro1103Ser; replaces proline 1103 with serine.
Molecular consequence: missense variant.
Genome position (GRCh38, 1-based): chrX:32,463,564, G>A on the plus strand (C>T on the coding strand, the complement: DMD is on the minus strand). VCF-style: chrX-32463564-G-A. GRCh37 (hg19) VCF-style: chrX-32481681-G-A.
Other names: c.3283C>T, p.Pro1095Ser (NM_000109.4); c.3295C>T, p.Pro1099Ser (NM_004009.3); c.2938C>T, p.Pro980Ser (NM_004010.3); short protein forms P1095S, P980S, P1099S, P1103S.
Identifiers: ClinVar variation 1406967 (VCV001406967.6), dbSNP rs2148419633, ClinGen allele CA412664566.